The following is an entry in ClinVar:

ClinVar aggregate classification (germline): Uncertain significance (1 of 4 stars; one submission).

Conditions:
SLC37A4-related disorder. Also called: SLC37A4-related condition.

Allele frequency attached by ClinVar (database versions not stated): gnomAD exomes below 0.00001; ExAC 0.00003; TOPMed 0.00004; gnomAD 0.00005.

Submission:

PreventionGenetics, part of Exact Sciences
Classification: Uncertain significance for SLC37A4-related condition. Last evaluated: 2023-06-23. Review status: criteria provided, single submitter. Criteria: ACMG Guidelines, 2015. Collection method: clinical testing. Allele origin: germline.
Comment: The SLC37A4 c.1237C>T variant is predicted to result in the amino acid substitution p.Leu413Phe. To our knowledge, this variant has not been reported in the literature. This variant is reported in 0.029% of alleles in individuals of African descent in gnomAD. At this time, the clinical significance of this variant is uncertain due to the absence of conclusive functional and genetic evidence.

NM_001164277.2(SLC37A4):c.1237C>T (p.Leu413Phe)

Gene: SLC37A4 (solute carrier family 37 member 4; minus strand). Cytogenetic location: 11q23.3.
Variant type: single nucleotide variant.
Coding change: c.1237C>T on transcript NM_001164277.2 (MANE Select); coding-DNA position 1237, C replaced by T.
Protein change: p.Leu413Phe; replaces leucine 413 with phenylalanine.
Molecular consequence: missense variant.
Genome position (GRCh38, 1-based): chr11:119,024,963, G>A on the plus strand (C>T on the coding strand, the complement: SLC37A4 is on the minus strand). VCF-style: chr11-119024963-G-A. GRCh37 (hg19) VCF-style: chr11-118895673-G-A.
Other names: c.1303C>T, p.Leu435Phe (NM_001164278.2); c.1018C>T, p.Leu340Phe (NM_001164279.2); c.1237C>T, p.Leu413Phe (NM_001164280.2, NM_001467.6); short protein forms L340F, L413F, L435F.
Identifiers: ClinVar variation 2634960 (VCV002634960.1), dbSNP rs782233094, ClinGen allele CA6311590.